The following is an entry in ClinVar:

NM_001349253.2(SCN11A):c.3116G>A (p.Trp1039Ter)

Gene: SCN11A (sodium voltage-gated channel alpha subunit 11; minus strand). Cytogenetic location: 3p22.2.
Variant type: single nucleotide variant.
Coding change: c.3116G>A on transcript NM_001349253.2 (MANE Select); coding-DNA position 3116, G replaced by A.
Protein change: p.Trp1039Ter; replaces tryptophan 1039 with a stop codon.
Molecular consequence: nonsense.
Genome position (GRCh38, 1-based): chr3:38,883,336, C>T on the plus strand (G>A on the coding strand, the complement: SCN11A is on the minus strand). VCF-style: chr3-38883336-C-T. GRCh37 (hg19) VCF-style: chr3-38924827-C-T.
Other names: c.3116G>A, p.Trp1039Ter (NM_014139.3); short protein forms W1039*.
Identifiers: ClinVar variation 861617 (VCV000861617.6), dbSNP rs2065341846, ClinGen allele CA352173161.

ClinVar aggregate classification (germline): Uncertain significance (1 of 4 stars; one submission).

Conditions:
Hereditary sensory and autonomic neuropathy type 7. Also called: HSAN VII; Neuropathy, hereditary sensory and autonomic, type VII. Identifiers: Orphanet 391397, MedGen C3809882, MONDO:0014244, OMIM 615548.
Familial episodic pain syndrome with predominantly lower limb involvement. Also called: Episodic pain syndrome, familial, 3. Identifiers: Orphanet 391384, Orphanet 391392, MedGen C3809899, MONDO:0014247, OMIM 615552.

Submission:

Labcorp Genetics (formerly Invitae), Labcorp
Classification: Uncertain significance for Familial episodic pain syndrome with predominantly lower limb involvement; Hereditary sensory and autonomic neuropathy type 7. Last evaluated: 2019-01-25. Review status: criteria provided, single submitter. Criteria: Invitae Variant Classification Sherloc (09022015). Collection method: clinical testing. Allele origin: germline.
Comment: In summary, the available evidence is currently insufficient to determine the role of this variant in disease. Therefore, it has been classified as a Variant of Uncertain Significance. The current clinical and genetic evidence is not sufficient to establish whether loss-of-function variants in SCN11A cause disease. This variant has not been reported in the literature in individuals with SCN11A-related conditions. This variant is not present in population databases (ExAC no frequency). This sequence change creates a premature translational stop signal (p.Trp1039*) in the SCN11A gene. It is expected to result in an absent or disrupted protein product.